The following is an entry in ClinVar:

NM_000426.4(LAMA2):c.1533_1534insG (p.Trp512fs)

Gene: LAMA2 (laminin subunit alpha 2; plus strand). Cytogenetic location: 6q22.33.
Variant type: Insertion.
Coding change: c.1533_1534insG on transcript NM_000426.4 (MANE Select); coding-DNA positions 1533 to 1534, G inserted.
Protein change: p.Trp512fs; shifts the reading frame from tryptophan 512.
Molecular consequence: frameshift variant.
Genome position: GRCh38 VCF-style: chr6-129190270-T-TG. GRCh37 (hg19) VCF-style: chr6-129511415-T-TG.
Other names: c.1533_1534insG, p.Trp512fs (NM_001079823.2); short protein forms W512fs.
Identifiers: ClinVar variation 1726885 (VCV001726885.3), dbSNP rs2482767348, ClinGen allele CA2580074901.

ClinVar aggregate classification (germline): Likely pathogenic (1 of 4 stars; one submission).

Conditions:
LAMA2-related muscular dystrophy (LAMA2-RD). Also called: Laminin alpha 2-related dystrophy. Identifiers: MedGen C5679788, MONDO:0100228.

Submission:

Myriad Genetics, Inc.
Classification: Likely pathogenic for LAMA2-related muscular dystrophy. Last evaluated: 2022-01-02. Review status: criteria provided, single submitter. Criteria: Myriad Autosomal Dominant, Autosomal Recessive and X-Linked Classification Criteria (2023). Collection method: clinical testing. Allele origin: unknown.
Comment: NM_000426.3(LAMA2):c.1533_1534insG(W512Vfs*6) is expected to be pathogenic in the context of muscular dystrophy, LAMA2-related. This variant is predicted to lead to an abnormal or absent protein product due to the creation of a premature termination codon in LAMA2, a gene where loss-of-function variants are known to be pathogenic. Please note: this variant was assessed in the context of healthy population screening.